The following is an entry in ClinVar:

ClinVar aggregate classification (germline): Likely pathogenic (1 of 4 stars; one submission).

Conditions:
Autosomal recessive limb-girdle muscular dystrophy type 2J (LGMDR10). Also called: Limb-girdle muscular dystrophy, type 2J; MUSCULAR DYSTROPHY, LIMB-GIRDLE, AUTOSOMAL RECESSIVE 10. Identifiers: Orphanet 140922, MedGen C1837342, MONDO:0012127, OMIM 608807.
Dilated cardiomyopathy 1G (CMD1G). Identifiers: Orphanet 154, MedGen C1858763, MONDO:0011400, OMIM 604145.

Submission:

Labcorp Genetics (formerly Invitae), Labcorp
Classification: Likely pathogenic for Dilated cardiomyopathy 1G; Autosomal recessive limb-girdle muscular dystrophy type 2J. Last evaluated: 2025-07-09. Review status: criteria provided, single submitter. Criteria: Invitae Variant Classification Sherloc (09022015). Collection method: clinical testing. Allele origin: germline.
Comment: This sequence change creates a premature translational stop signal (p.Tyr4675Leufs*4) in the TTN gene. While this is not anticipated to result in nonsense mediated decay, it is expected to create a truncated TTN protein. This variant is not present in population databases (gnomAD no frequency). This variant has not been reported in the literature in individuals affected with TTN-related conditions. Algorithms developed to predict the effect of sequence changes on RNA splicing suggest that this variant may disrupt the consensus splice site. This variant is located in the I band of TTN (PMID: 25589632). Truncating variants in this region have been reported in individuals affected with autosomal recessive centronuclear myopathy (PMID: 23975875, internal data). Truncating variants in this region have also been identified in individuals affected with autosomal dominant dilated cardiomyopathy and/or cardio-related conditions (PMID: 27869827, 32964742, internal data). In summary, the currently available evidence indicates that the variant is pathogenic, but additional data are needed to prove that conclusively. Therefore, this variant has been classified as Likely Pathogenic.

Literature cited by the submitters: PubMed 25589632; PubMed 23975875; PubMed 27869827; PubMed 32964742.

NM_001267550.2(TTN):c.14023dup (p.Tyr4675fs)

Gene: TTN (titin; minus strand). Cytogenetic location: 2q31.2.
Variant type: Duplication.
Coding change: c.14023dup on transcript NM_001267550.2 (MANE Select); coding-DNA position 14023, one base duplicated (T; older notation c.14023dupT).
Protein change: p.Tyr4675fs; shifts the reading frame from tyrosine 4675.
Molecular consequence: frameshift variant. On other transcripts: intron variant (1).
Genome position (GRCh38, 1-based): chr2:178,739,210, A duplicated on the plus strand (T on the coding strand, the reverse complement: TTN is on the minus strand). VCF-style (leftmost placement, unchanged base first): chr2-178739209-T-TA. GRCh37 (hg19) VCF-style: chr2-179603936-T-TA.
Other names: c.13072dup, p.Tyr4358fs (NM_001256850.1); c.12934dup, p.Tyr4312fs (NM_003319.4); c.13309dup, p.Tyr4437fs (NM_133432.3); c.13510dup, p.Tyr4504fs (NM_133437.4); c.10361-850dup (NM_133378.4); short protein forms Y4437fs, Y4312fs, Y4675fs, Y4358fs, Y4504fs.
Identifiers: ClinVar variation 4789957 (VCV004789957.1).